The following is an entry in ClinVar:

NM_022089.4(ATP13A2):c.3240C>T (p.Pro1080=)

Gene: ATP13A2 (ATPase cation transporting 13A2; minus strand). Cytogenetic location: 1p36.13.
Variant type: single nucleotide variant.
Coding change: c.3240C>T on transcript NM_022089.4 (MANE Select); coding-DNA position 3240, C replaced by T.
Protein change: p.Pro1080=; no amino-acid change (proline 1080 retained).
Molecular consequence: synonymous variant. On other transcripts: intron variant (1).
Genome position (GRCh38, 1-based): chr1:16,986,628, G>A on the plus strand (C>T on the coding strand, the complement: ATP13A2 is on the minus strand). VCF-style: chr1-16986628-G-A. GRCh37 (hg19) VCF-style: chr1-17313123-G-A.
Other names: p.Pro1080=; c.3225C>T, p.Pro1075= (NM_001141973.3); c.3103+177C>T (NM_001141974.3).
Identifiers: ClinVar variation 4684704 (VCV004684704.1).

ClinVar aggregate classification (germline): Likely benign (1 of 4 stars; one submission).

gnomAD v4.1: 1 of 1,607,800 alleles (0.000062%); highest among the groups gnomAD compares: South Asian, 0.0011%; no homozygotes.

Submission:

Mayo Clinic Laboratories, Mayo Clinic
Classification: Likely benign. Last evaluated: 2025-04-01. Review status: criteria provided, single submitter. Criteria: ACMG Guidelines, 2015. Collection method: clinical testing. Allele origin: germline. Observed: 1 variant allele.
Comment: BP4, BP7